The following is an entry in ClinVar:

ClinVar aggregate classification (germline): Benign. Review status: criteria provided, multiple submitters, no conflicts (2 of 4 stars). 2 submissions from 2 submitters: Benign (2). Last evaluated 2018-01-12.

Conditions:
Peroxisome biogenesis disorder 7A (Zellweger). Also called: Peroxisome biogenesis disorder 7A. Identifiers: Orphanet 912, MedGen C3888385, MONDO:0013938, OMIM 614872.

Allele frequency attached by ClinVar (database versions not stated): TOPMed 0.86761; 1000 Genomes Project 30x 0.87055; 1000 Genomes Project 0.87340; gnomAD 0.88398 and 0.88536.

Submissions (4):

Illumina Laboratory Services, Illumina
Classification: Benign for Peroxisome biogenesis disorder 7A (Zellweger). Last evaluated: 2018-01-12. Review status: criteria provided, single submitter. Criteria: ICSL Variant Classification Criteria 13 December 2019. Collection method: clinical testing. Allele origin: germline.
Comment: This variant was observed in the ICSL laboratory as part of a predisposition screen in an ostensibly healthy population. It had not been previously curated by ICSL or reported in the Human Gene Mutation Database (HGMD: prior to June 1st, 2018), and was therefore a candidate for classification through an automated scoring system. Utilizing variant allele frequency, disease prevalence and penetrance estimates, and inheritance mode, an automated score was calculated to assess if this variant is too frequent to cause the disease. Based on the score and internal cut-off values, a variant classified as benign is not then subjected to further curation. The score for this variant resulted in a classification of benign for this disease.

Breakthrough Genomics
Classification: Benign. Review status: criteria provided, single submitter. Criteria: ACMG Guidelines, 2015. Collection method: not provided. Allele origin: germline. Inheritance: Autosomal recessive inheritance. Affected: yes.

Dr. Peter K. Rogan Lab, Western University
No classification provided (evidence only). Condition: Cervical cancer. Review status: no classification provided. Collection method: in vitro. Allele origin: not applicable. Functional consequence: retained intron. Not counted in ClinVar's aggregate classification.

Dr. Peter K. Rogan Lab, Western University
No classification provided (evidence only). Condition: Gastric cancer. Review status: no classification provided. Collection method: in vitro. Allele origin: not applicable. Functional consequence: retained intron. Not counted in ClinVar's aggregate classification.

NM_001127649.3(PEX26):c.*2051A>G

Gene: PEX26 (peroxisomal biogenesis factor 26; plus strand). Cytogenetic location: 22q11.21.
Variant type: single nucleotide variant.
Coding change: c.*2051A>G on transcript NM_001127649.3 (MANE Select); 2051 bases downstream of the stop codon, A replaced by G.
Molecular consequence: 3 prime UTR variant.
Genome position (GRCh38, 1-based): chr22:18,090,126, A>G. VCF-style: chr22-18090126-A-G. GRCh37 (hg19) VCF-style: chr22-18572892-A-G.
Other names: NC_000022.10:g.18572892A>G; c.*2051A>G (NM_001199319.2, NM_017929.6).
Identifiers: ClinVar variation 340803 (VCV000340803.7), dbSNP rs361946, ClinGen allele CA10650867.